The following is an entry in ClinVar:

ClinVar aggregate classification (germline): Conflicting classifications of pathogenicity. Review status: criteria provided, conflicting classifications (1 of 4 stars). 2 submissions from 2 submitters: Uncertain significance (1); Likely benign (1). Last evaluated 2025-05-29.

Conditions:
Neuropathy, hereditary sensory, type 2C. Also called: KIF1A-Related HSAN2 (HSAN2C); Hereditary sensory and autonomic neuropathy type IIC. Identifiers: Orphanet 970, MedGen C3280168, MONDO:0013634, OMIM 614213.
Hereditary spastic paraplegia 30. Identifiers: Orphanet 101010, MedGen C5235139, MONDO:0012476.
Intellectual disability, autosomal dominant 9 (NESCAVS). Also called: KIF1A-Related Neurodevelopmental Disorder; NESCAV SYNDROME. Identifiers: Orphanet 662367, MedGen C5393830, MONDO:0013656, OMIM 614255.

gnomAD v4.1: 17 of 1,613,348 alleles (0.0011%); highest among the groups gnomAD compares: South Asian, 0.0044%; no homozygotes.

Submissions (2):

Labcorp Genetics (formerly Invitae), Labcorp
Classification: Likely benign for Hereditary spastic paraplegia 30; Neuropathy, hereditary sensory, type 2C; Intellectual disability, autosomal dominant 9. Last evaluated: 2025-05-29. Review status: criteria provided, single submitter. Criteria: Invitae Variant Classification Sherloc (09022015). Collection method: clinical testing. Allele origin: germline.

Women's Health and Genetics/Laboratory Corporation of America, LabCorp
Classification: Uncertain significance. Last evaluated: 2024-12-17. Review status: criteria provided, single submitter. Criteria: LabCorp Variant Classification Summary - May 2015. Collection method: clinical testing. Allele origin: germline.
Comment: Variant summary: KIF1A c.3502C>T (p.Leu1168Phe) results in a non-conservative amino acid change located in the Kinesin protein domain (IPR022164) of the encoded protein sequence. Three of five in-silico tools predict a benign effect of the variant on protein function. The variant allele was found at a frequency of 4e-06 in 248134 control chromosomes. The available data on variant occurrences in the general population are insufficient to allow any conclusion about variant significance. To our knowledge, no occurrence of c.3502C>T in individuals affected with Neuropathy, hereditary sensory, type 2C and no experimental evidence demonstrating its impact on protein function have been reported. No submitters have cited clinical-significance assessments for this variant to ClinVar. Based on the evidence outlined above, the variant was classified as uncertain significance.

NM_001244008.2(KIF1A):c.3805C>T (p.Leu1269Phe)

Genes: KIF1A (kinesin family member 1A; minus strand), LOC126806583 (P300/CBP strongly-dependent group 1 enhancer GRCh37_chr2:241678910-241680109; plus strand). Cytogenetic location: 2q37.3.
Variant type: single nucleotide variant.
Coding change: c.3805C>T on transcript NM_001244008.2 (MANE Select); coding-DNA position 3805, C replaced by T.
Protein change: p.Leu1269Phe; replaces leucine 1269 with phenylalanine.
Molecular consequence: missense variant.
Genome position (GRCh38, 1-based): chr2:240,740,309, G>A on the plus strand (C>T on the coding strand, the complement: KIF1A is on the minus strand). VCF-style: chr2-240740309-G-A. GRCh37 (hg19) VCF-style: chr2-241679726-G-A.
Other names: c.3529C>T, p.Leu1177Phe (NM_001320705.2, NM_001330289.2, NM_001379638.1); c.3604C>T, p.Leu1202Phe (NM_001330290.2, NM_001379634.1, NM_001379635.1 and 1 more transcripts); c.3880C>T, p.Leu1294Phe (NM_001379631.1); c.3754C>T, p.Leu1252Phe (NM_001379632.1); c.3778C>T, p.Leu1260Phe (NM_001379633.1, NM_001379642.1, NM_001379645.1); c.3502C>T, p.Leu1168Phe (NM_001379636.1, NM_001379639.1, NM_001379641.1 and 5 more transcripts); c.3577C>T, p.Leu1193Phe (NM_001379637.1, NM_001379648.1); c.3499C>T, p.Leu1167Phe (NM_001379640.1); short protein forms L1167F, L1168F, L1177F, L1193F, L1202F, L1252F, L1260F, L1269F.
Identifiers: ClinVar variation 3760663 (VCV003760663.3).
Genomic context (GRCh38, chr2:240,740,309, plus strand): 5'-GGGGTGGGGGAGGGGACACAGGCAGGGTAGGGGCAAGAGGGGCTCACACCTGGTGGAGGA[G>A]GAAGGTCCCCATGCATGGCATGCCCCCACGGTGGTCCACCACGGCCGGGATGTAACTGGA-3'
Protein context (NP_001230937.1, residues 1259-1279): RGGMPCMGTF[Leu1269Phe]LHQGIQRRIT